The following is an entry in ClinVar:

NM_170707.4(LMNA):c.282dup (p.Val95fs)

Gene: LMNA (lamin A/C; plus strand). Cytogenetic location: 1q22.
Variant type: Duplication.
Coding change: c.282dup on transcript NM_170707.4 (MANE Select); coding-DNA position 282, one base duplicated (A; older notation c.282dupA).
Protein change: p.Val95fs; shifts the reading frame from valine 95.
Molecular consequence: frameshift variant. On other transcripts: 5 prime UTR variant (8), intron variant (2).
Genome position (GRCh38, 1-based): chr1:156,115,200, A duplicated. VCF-style (leftmost placement, unchanged base first): chr1-156115199-C-CA. GRCh37 (hg19) VCF-style: chr1-156084990-C-CA.
Other names: c.282dup, p.Val95fs (NM_001282625.2, NM_005572.4, NM_170708.4 and 6 more transcripts); c.-226dup (NM_001407001.1); c.-120dup (NM_001407002.1, NM_001406990.1, NM_001406995.1); c.-203+8377dup (NM_001406993.1, NM_001407003.1); c.-142dup (NM_001406986.1); c.-383dup (NM_001406994.1, NM_001407000.1); c.-563dup (NM_001406999.1); short protein forms V95fs.
Identifiers: ClinVar variation 3717884 (VCV003717884.2).

ClinVar aggregate classification (germline): Pathogenic (1 of 4 stars; one submission).

Conditions:
Charcot-Marie-Tooth disease type 2. Also called: Charcot-Marie-Tooth type 2. Identifiers: Orphanet 64746, MedGen C0270914, MONDO:0018993.

Submission:

Labcorp Genetics (formerly Invitae), Labcorp
Classification: Pathogenic for Charcot-Marie-Tooth disease type 2. Last evaluated: 2024-09-18. Review status: criteria provided, single submitter. Criteria: Invitae Variant Classification Sherloc (09022015). Collection method: clinical testing. Allele origin: germline.
Comment: This sequence change creates a premature translational stop signal (p.Val95Serfs*17) in the LMNA gene. It is expected to result in an absent or disrupted protein product. Loss-of-function variants in LMNA are known to be pathogenic (PMID: 18585512, 18926329). This variant is not present in population databases (gnomAD no frequency). This variant has not been reported in the literature in individuals affected with LMNA-related conditions. For these reasons, this variant has been classified as Pathogenic.

Literature cited by the submitters: PubMed 18585512; PubMed 18926329.